The following is an entry in ClinVar:

NM_022455.5(NSD1):c.3959G>A (p.Arg1320Gln)

Gene: NSD1 (nuclear receptor binding SET domain protein 1; plus strand). Cytogenetic location: 5q35.3.
Variant type: single nucleotide variant.
Coding change: c.3959G>A on transcript NM_022455.5 (MANE Select); coding-DNA position 3959, G replaced by A.
Protein change: p.Arg1320Gln; replaces arginine 1320 with glutamine.
Molecular consequence: missense variant.
Genome position (GRCh38, 1-based): chr5:177,238,274, G>A. VCF-style: chr5-177238274-G-A. GRCh37 (hg19) VCF-style: chr5-176665275-G-A.
Other names: c.3086G>A, p.Arg1029Gln (NM_001365684.2, NM_001409306.1, NM_001409307.1 and 3 more transcripts); c.3959G>A, p.Arg1320Gln (NM_001409301.1, NM_001409302.1, NM_001409303.1); c.3539G>A, p.Arg1180Gln (NM_001409304.1); c.3206G>A, p.Arg1069Gln (NM_001409305.1); short protein forms R1320Q, R1051Q, R1069Q, R1180Q, R1029Q.
Identifiers: ClinVar variation 1418413 (VCV001418413.11), dbSNP rs1388537733, ClinGen allele CA362339696.
Genomic context (GRCh38, chr5:177,238,274, plus strand): 5'-CTATTTTTATTTTTTGTTCTTAGGTAAGTTCCCGCTGTGAAGAGGAAAGCCTTCTAGCCC[G>A]AGGTCGATCTAGTGCTCAGAACAAGCAGGTGGACGAGAATTCTTTGATTTCAACCAAAGA-3'
Protein context (NP_071900.2, residues 1310-1330): SRCEEESLLA[Arg1320Gln]GRSSAQNKQV

ClinVar aggregate classification (germline): Uncertain significance. Review status: criteria provided, multiple submitters, no conflicts (2 of 4 stars). 3 submissions from 3 submitters: Uncertain significance (3). Last evaluated 2023-03-20.

Conditions:
Sotos syndrome (SOTOS). Also called: SOTOS SYNDROME 1; CEREBRAL GIGANTISM; Sotos' syndrome; CHROMOSOME 5q35 DELETION SYNDROME; Distinctive facial appearance, overgrowth in childhood, and learning disabilities or delayed development. Identifiers: Orphanet 821, MedGen C0175695, MONDO:0019349, OMIM 117550.
Inborn genetic diseases. Identifiers: MedGen C0950123, MeSH D030342.

Allele frequency attached by ClinVar (database versions not stated): gnomAD 0.00001; gnomAD exomes 0.00004; 1000 Genomes Project 30x 0.00031.
gnomAD v4.1: 55 of 1,614,074 alleles (0.0034%); highest among the groups gnomAD compares: East Asian, 0.027%; no homozygotes.

Submissions (3):

Ambry Genetics
Classification: Uncertain significance for Inborn genetic diseases. Last evaluated: 2023-03-20. Review status: criteria provided, single submitter. Criteria: Ambry Variant Classification Scheme 2023. Collection method: clinical testing. Allele origin: germline.

Fulgent Genetics
Classification: Uncertain significance for Sotos syndrome. Last evaluated: 2022-03-01. Review status: criteria provided, single submitter. Criteria: ACMG Guidelines, 2015. Collection method: clinical testing. Allele origin: unknown.

Labcorp Genetics (formerly Invitae), Labcorp
Classification: Uncertain significance. Last evaluated: 2021-03-21. Review status: criteria provided, single submitter. Criteria: Invitae Variant Classification Sherloc (09022015). Collection method: clinical testing. Allele origin: germline.
Comment: In summary, the available evidence is currently insufficient to determine the role of this variant in disease. Therefore, it has been classified as a Variant of Uncertain Significance. Advanced modeling of protein sequence and biophysical properties (such as structural, functional, and spatial information, amino acid conservation, physicochemical variation, residue mobility, and thermodynamic stability) performed at Invitae indicates that this missense variant is not expected to disrupt NSD1 protein function. This variant has not been reported in the literature in individuals with NSD1-related conditions. This variant is not present in population databases (ExAC no frequency). This sequence change replaces arginine with glutamine at codon 1320 of the NSD1 protein (p.Arg1320Gln). The arginine residue is weakly conserved and there is a small physicochemical difference between arginine and glutamine.